The following is an entry in ClinVar:

ClinVar aggregate classification (germline): Uncertain significance (1 of 4 stars; one submission).

Conditions:
Renal cell carcinoma. Identifiers: Orphanet 217071, MedGen C0007134, MeSH D002292, MONDO:0005086, HP:0005584.

Allele frequency attached by ClinVar (database versions not stated): gnomAD exomes below 0.00001.
gnomAD v4.1: 5 of 1,614,038 alleles (0.00031%); highest among the groups gnomAD compares: Non-Finnish European, 0.00042%; no homozygotes.

Submission:

Labcorp Genetics (formerly Invitae), Labcorp
Classification: Uncertain significance for Renal cell carcinoma. Last evaluated: 2023-06-27. Review status: criteria provided, single submitter. Criteria: Invitae Variant Classification Sherloc (09022015). Collection method: clinical testing. Allele origin: germline.
Comment: This sequence change replaces glutamic acid, which is acidic and polar, with lysine, which is basic and polar, at codon 549 of the MET protein (p.Glu549Lys). This variant is not present in population databases (gnomAD no frequency). This variant has not been reported in the literature in individuals affected with MET-related conditions. Advanced modeling of protein sequence and biophysical properties (such as structural, functional, and spatial information, amino acid conservation, physicochemical variation, residue mobility, and thermodynamic stability) performed at Invitae indicates that this missense variant is not expected to disrupt MET protein function. In summary, the available evidence is currently insufficient to determine the role of this variant in disease. Therefore, it has been classified as a Variant of Uncertain Significance.

NM_000245.4(MET):c.1645G>A (p.Glu549Lys)

Gene: MET (MET proto-oncogene, receptor tyrosine kinase; plus strand). Cytogenetic location: 7q31.2.
Variant type: single nucleotide variant.
Coding change: c.1645G>A on transcript NM_000245.4 (MANE Select); coding-DNA position 1645, G replaced by A.
Protein change: p.Glu549Lys; replaces glutamic acid 549 with lysine.
Molecular consequence: missense variant.
Genome position (GRCh38, 1-based): chr7:116,740,969, G>A. VCF-style: chr7-116740969-G-A. GRCh37 (hg19) VCF-style: chr7-116381023-G-A.
Other names: c.1645G>A, p.Glu549Lys (NM_001127500.3, NM_001324401.3); c.355G>A, p.Glu119Lys (NM_001324402.2); short protein forms E119K, E549K.
Identifiers: ClinVar variation 2730679 (VCV002730679.3), dbSNP rs2116836723, ClinGen allele CA368975637.